The following is an entry in ClinVar:

NM_005245.4(FAT1):c.2617G>A (p.Val873Met)

Gene: FAT1 (FAT atypical cadherin 1; minus strand). Cytogenetic location: 4q35.2.
Variant type: single nucleotide variant.
Coding change: c.2617G>A on transcript NM_005245.4 (MANE Select); coding-DNA position 2617, G replaced by A.
Protein change: p.Val873Met; replaces valine 873 with methionine.
Molecular consequence: missense variant.
Genome position (GRCh38, 1-based): chr4:186,707,211, C>T on the plus strand (G>A on the coding strand, the complement: FAT1 is on the minus strand). VCF-style: chr4-186707211-C-T. GRCh37 (hg19) VCF-style: chr4-187628365-C-T.
Other names: c.2617G>A (NM_005245.3); short protein forms V873M.
Identifiers: ClinVar variation 2077742 (VCV002077742.5), dbSNP rs143802989, ClinGen allele CA3167228.

ClinVar aggregate classification (germline): Conflicting classifications of pathogenicity. Review status: criteria provided, conflicting classifications (1 of 4 stars). 3 submissions from 3 submitters: Uncertain significance (2); Likely benign (1). Last evaluated 2024-04-22.

Conditions:
Inborn genetic diseases. Identifiers: MedGen C0950123, MeSH D030342.

Allele frequency attached by ClinVar (database versions not stated): 1000 Genomes Project 0.00060; gnomAD 0.00009; gnomAD exomes 0.00008; 1000 Genomes Project 30x 0.00078; TOPMed 0.00008; ExAC 0.00010.
gnomAD v4.1: 137 of 1,613,896 alleles (0.0085%); highest among the groups gnomAD compares: Middle Eastern, 0.082%; 1 homozygote.

Submissions (3):

GeneDx
Classification: Uncertain significance. Last evaluated: 2024-04-22. Review status: criteria provided, single submitter. Criteria: GeneDx Variant Classification Process June 2021. Collection method: clinical testing. Allele origin: germline.
Comment: In silico analysis indicates that this missense variant does not alter protein structure/function; Has not been previously published as pathogenic or benign to our knowledge

Ambry Genetics
Classification: Likely benign for Inborn genetic diseases. Last evaluated: 2023-03-14. Review status: criteria provided, single submitter. Criteria: Ambry Variant Classification Scheme 2023. Collection method: clinical testing. Allele origin: germline.

Labcorp Genetics (formerly Invitae), Labcorp
Classification: Uncertain significance. Last evaluated: 2022-05-17. Review status: criteria provided, single submitter. Criteria: Invitae Variant Classification Sherloc (09022015). Collection method: clinical testing. Allele origin: germline.
Comment: This sequence change replaces valine, which is neutral and non-polar, with methionine, which is neutral and non-polar, at codon 873 of the FAT1 protein (p.Val873Met). This variant is present in population databases (rs143802989, gnomAD 0.02%). This variant has not been reported in the literature in individuals affected with FAT1-related conditions. Algorithms developed to predict the effect of missense changes on protein structure and function output the following: SIFT: "Tolerated"; PolyPhen-2: "Benign"; Align-GVGD: "Class C0". The methionine amino acid residue is found in multiple mammalian species, which suggests that this missense change does not adversely affect protein function. In summary, the available evidence is currently insufficient to determine the role of this variant in disease. Therefore, it has been classified as a Variant of Uncertain Significance.